The following is an entry in ClinVar:

ClinVar aggregate classification (germline): Uncertain significance (1 of 4 stars; one submission).

gnomAD v4.1: 7 of 1,612,376 alleles (0.00043%); highest among the groups gnomAD compares: Admixed American, 0.0017%; no homozygotes.

Submission:

Labcorp Genetics (formerly Invitae), Labcorp
Classification: Uncertain significance. Last evaluated: 2023-02-01. Review status: criteria provided, single submitter. Criteria: Invitae Variant Classification Sherloc (09022015). Collection method: clinical testing. Allele origin: germline.
Comment: This sequence change replaces arginine, which is basic and polar, with histidine, which is basic and polar, at codon 1521 of the MYO18B protein (p.Arg1521His). The frequency data for this variant in the population databases is considered unreliable, as metrics indicate poor data quality at this position in the gnomAD database. This variant has not been reported in the literature in individuals affected with MYO18B-related conditions. An algorithm developed to predict the effect of missense changes on protein structure and function (PolyPhen-2) suggests that this variant is likely to be disruptive. In summary, the available evidence is currently insufficient to determine the role of this variant in disease. Therefore, it has been classified as a Variant of Uncertain Significance.

NM_032608.7(MYO18B):c.4562G>A (p.Arg1521His)

Genes: MYO18B (myosin XVIIIB; plus strand), MYO18B-AS1 (MYO18B antisense RNA 1; minus strand). Cytogenetic location: 22q12.1.
Variant type: single nucleotide variant.
Coding change: c.4562G>A on transcript NM_032608.7 (MANE Select); coding-DNA position 4562, G replaced by A.
Protein change: p.Arg1521His; replaces arginine 1521 with histidine.
Molecular consequence: missense variant.
Genome position (GRCh38, 1-based): chr22:25,895,174, G>A. VCF-style: chr22-25895174-G-A. GRCh37 (hg19) VCF-style: chr22-26291141-G-A.
Other names: c.4565G>A, p.Arg1522His (NM_001318245.2); short protein forms R1521H, R1522H.
Identifiers: ClinVar variation 1933736 (VCV001933736.5), dbSNP rs1305449141, ClinGen allele CA411010081.
Genomic context (GRCh38, chr22:25,895,174, plus strand): 5'-CATTTGGCCTCTTATCCTGGTCTCCCTGACTCCGTTAAACAGCAGACGAGTGGCAGATGC[G>A]CTTCGACTGTGCTCAGATGGAGAACGAGTTCCTCAGAAAGCGTCTGCAGCAATGCGAGGA-3'
Protein context (NP_115997.5, residues 1511-1531): PTGGADEWQM[Arg1521His]FDCAQMENEF